The following is an entry in ClinVar:

NM_000552.5(VWF):c.925G>T (p.Ala309Ser)

Gene: VWF (von Willebrand factor; minus strand). Cytogenetic location: 12p13.31.
Variant type: single nucleotide variant.
Coding change: c.925G>T on transcript NM_000552.5 (MANE Select); coding-DNA position 925, G replaced by T.
Protein change: p.Ala309Ser; replaces alanine 309 with serine.
Molecular consequence: missense variant.
Genome position (GRCh38, 1-based): chr12:6,073,691, C>A on the plus strand (G>T on the coding strand, the complement: VWF is on the minus strand). VCF-style: chr12-6073691-C-A. GRCh37 (hg19) VCF-style: chr12-6182857-C-A.
Other names: c.925G>T (NM_000552.4); short protein forms A309S.
Identifiers: ClinVar variation 3251586 (VCV003251586.3), dbSNP rs200615283.

ClinVar aggregate classification (germline): Uncertain significance. Review status: criteria provided, multiple submitters, no conflicts (2 of 4 stars). 2 submissions from 2 submitters: Uncertain significance (2). Last evaluated 2026-06-09.

Allele frequency attached by ClinVar (database versions not stated): ESP Exome Variant Server 0.00015; 1000 Genomes Project 0.00020; 1000 Genomes Project 30x 0.00016; ExAC 0.00002.
gnomAD v4.1: 123 of 1,614,068 alleles (0.0076%); highest among the groups gnomAD compares: African/African-American, 0.12%; no homozygotes.

Submissions (2):

Women's Health and Genetics/Laboratory Corporation of America, LabCorp
Classification: Uncertain significance. Last evaluated: 2026-06-09. Review status: criteria provided, single submitter. Criteria: LabCorp Variant Classification Summary - May 2015. Collection method: clinical testing. Allele origin: germline.
Comment: Variant summary: VWF c.925G>T (p.Ala309Ser) results in a conservative amino acid change located in the first trypsin Inhibitor-like, cysteine rich domain (IPR002919) of the encoded protein sequence. Algorithms developed to predict the effect of missense changes on protein structure and function all suggest that this variant is likely to be tolerated. The variant allele was found at a frequency of 6.8e-05 in 251390 control chromosomes, predominantly at a frequency of 0.0008 within the African or African-American subpopulation in the gnomAD database. This frequency is not significantly higher than estimated for disease-causing variants in VWF, allowing no conclusion about variant significance. To our knowledge, no occurrence of c.925G>T in individuals affected with VWF-related conditions and no experimental evidence demonstrating its impact on protein function have been reported. ClinVar contains an entry for this variant (Variation ID: 3251586). Based on the evidence outlined above, the variant was classified as uncertain significance.

Quest Diagnostics Nichols Institute San Juan Capistrano
Classification: Uncertain significance. Last evaluated: 2025-01-23. Review status: criteria provided, single submitter. Criteria: Quest Diagnostics criteria. Collection method: clinical testing. Allele origin: unknown.